The following is an entry in ClinVar:

ClinVar aggregate classification (germline): Conflicting classifications of pathogenicity. Review status: criteria provided, conflicting classifications (1 of 4 stars). 3 submissions from 3 submitters: Uncertain significance (1); Benign (1); Likely benign (1). Last evaluated 2025-09-06.

Conditions:
CXCR4-related disorder. Also called: CXCR4-related condition.
Warts, hypogammaglobulinemia, infections, and myelokathexis. Also called: WHIM syndrome. Identifiers: MedGen C0472817, MONDO:0023880.

Allele frequency attached by ClinVar (database versions not stated): TOPMed 0.00009; ESP Exome Variant Server 0.00015.
gnomAD v4.1: 50 of 1,613,924 alleles (0.0031%); highest among the groups gnomAD compares: African/African-American, 0.029%; no homozygotes.

Submissions (3):

Labcorp Genetics (formerly Invitae), Labcorp
Classification: Benign for Warts, hypogammaglobulinemia, infections, and myelokathexis. Last evaluated: 2025-09-06. Review status: criteria provided, single submitter. Criteria: Invitae Variant Classification Sherloc (09022015). Collection method: clinical testing. Allele origin: germline.

PreventionGenetics, part of Exact Sciences
Classification: Uncertain significance for CXCR4-related condition. Last evaluated: 2024-11-13. Review status: criteria provided, single submitter. Criteria: ACMG Guidelines, 2015. Collection method: clinical testing. Allele origin: germline.
Comment: The CXCR4 c.946G>A variant is predicted to result in the amino acid substitution p.Ala316Thr. To our knowledge, this variant has not been reported in the literature. This variant is reported in 0.040% of alleles in individuals of African descent in gnomAD. At this time, the clinical significance of this variant is uncertain due to the absence of conclusive functional and genetic evidence.

Blueprint Genetics
Classification: Likely benign. Last evaluated: 2024-08-13. Review status: criteria provided, single submitter. Criteria: ACMG Guidelines, 2015. Collection method: clinical testing. Allele origin: germline.

NM_003467.3(CXCR4):c.946G>A (p.Ala316Thr)

Gene: CXCR4 (C-X-C motif chemokine receptor 4; minus strand). Cytogenetic location: 2q22.1.
Variant type: single nucleotide variant.
Coding change: c.946G>A on transcript NM_003467.3 (MANE Select); coding-DNA position 946, G replaced by A.
Protein change: p.Ala316Thr; replaces alanine 316 with threonine.
Molecular consequence: missense variant.
Genome position (GRCh38, 1-based): chr2:136,114,982, C>T on the plus strand (G>A on the coding strand, the complement: CXCR4 is on the minus strand). VCF-style: chr2-136114982-C-T. GRCh37 (hg19) VCF-style: chr2-136872552-C-T.
Other names: c.958G>A, p.Ala320Thr (NM_001008540.2); c.1159G>A, p.Ala387Thr (NM_001348056.2); c.1045G>A, p.Ala349Thr (NM_001348059.2); c.901G>A, p.Ala301Thr (NM_001348060.2); c.946G>A (NM_003467.2); short protein forms A349T, A316T, A320T, A301T, A387T.
Identifiers: ClinVar variation 1518647 (VCV001518647.8), dbSNP rs145335491, ClinGen allele CA1890060.